The following is an entry in ClinVar:

ClinVar aggregate classification (germline): Uncertain significance (1 of 4 stars; one submission).

Submission:

GeneDx
Classification: Uncertain significance. Last evaluated: 2024-03-13. Review status: criteria provided, single submitter. Criteria: GeneDx Variant Classification Process June 2021. Collection method: clinical testing. Allele origin: germline. Affected: yes.
Comment: Not observed at significant frequency in large population cohorts (gnomAD); In silico analysis supports that this missense variant has a deleterious effect on protein structure/function; Has not been previously published as pathogenic or benign to our knowledge

NM_001321075.3(DLG4):c.1687G>C (p.Val563Leu)

Gene: DLG4 (discs large MAGUK scaffold protein 4; minus strand). Cytogenetic location: 17p13.1.
Variant type: single nucleotide variant.
Coding change: c.1687G>C on transcript NM_001321075.3 (MANE Select); coding-DNA position 1687, G replaced by C.
Protein change: p.Val563Leu; replaces valine 563 with leucine.
Molecular consequence: missense variant. On other transcripts: non-coding transcript variant (1).
Genome position (GRCh38, 1-based): chr17:7,193,489, C>G on the plus strand (G>C on the coding strand, the complement: DLG4 is on the minus strand). VCF-style: chr17-7193489-C-G. GRCh37 (hg19) VCF-style: chr17-7096808-C-G.
Other names: c.1678G>C, p.Val560Leu (NM_001128827.4); c.1807G>C, p.Val603Leu (NM_001321074.1); c.1507G>C, p.Val503Leu (NM_001321076.3, NM_001321077.3); c.1816G>C, p.Val606Leu (NM_001365.5); c.1606G>C, p.Val536Leu (NM_001369566.3); short protein forms V503L, V536L, V560L, V563L, V603L, V606L.
Identifiers: ClinVar variation 3370785 (VCV003370785.1).